The following is an entry in ClinVar:

NM_000260.4(MYO7A):c.285+3G>T

Gene: MYO7A (myosin VIIA; plus strand). Cytogenetic location: 11q13.5.
Variant type: single nucleotide variant.
Coding change: c.285+3G>T on transcript NM_000260.4 (MANE Select); 3 bases into the intron after coding-DNA position 285, G replaced by T.
Molecular consequence: intron variant.
Genome position (GRCh38, 1-based): chr11:77,147,953, G>T. VCF-style: chr11-77147953-G-T. GRCh37 (hg19) VCF-style: chr11-76858999-G-T.
Other names: c.252+3G>T (NM_001369365.1); c.285+3G>T (NM_001127180.2).
Identifiers: ClinVar variation 4708537 (VCV004708537.2).

ClinVar aggregate classification (germline): Uncertain significance. Review status: criteria provided, multiple submitters, no conflicts (2 of 4 stars). 2 submissions from 2 submitters: Uncertain significance (2). Last evaluated 2025-01-31.

gnomAD v4.1: 2 of 1,542,780 alleles (0.00013%); highest among the groups gnomAD compares: Admixed American, 0.0039%; no homozygotes.

Submissions (2):

Labcorp Genetics (formerly Invitae), Labcorp
Classification: Uncertain significance. Last evaluated: 2025-01-31. Review status: criteria provided, single submitter. Criteria: Invitae Variant Classification Sherloc (09022015). Collection method: clinical testing. Allele origin: germline.
Comment: This sequence change falls in intron 4 of the MYO7A gene. It does not directly change the encoded amino acid sequence of the MYO7A protein. It affects a nucleotide within the consensus splice site. This variant is present in population databases (no rsID available, gnomAD 0.008%). This variant has not been reported in the literature in individuals affected with MYO7A-related conditions. Variants that disrupt the consensus splice site are a relatively common cause of aberrant splicing (PMID: 17576681, 9536098). Algorithms developed to predict the effect of sequence changes on RNA splicing suggest that this variant may disrupt the consensus splice site. In summary, the available evidence is currently insufficient to determine the role of this variant in disease. Therefore, it has been classified as a Variant of Uncertain Significance.

Blueprint Genetics
Classification: Uncertain significance. Last evaluated: 2019-06-11. Review status: criteria provided, single submitter. Criteria: ACMG Guidelines, 2015. Collection method: clinical testing. Allele origin: germline.

Literature cited by the submitters: PubMed 17576681 (cited by Labcorp Genetics (formerly Invitae), Labcorp); PubMed 9536098 (cited by Labcorp Genetics (formerly Invitae), Labcorp).